The following is an entry in ClinVar:

NM_001735.3(C5):c.3426A>G (p.Leu1142=)

Gene: C5 (complement C5; minus strand). Cytogenetic location: 9q33.2.
Variant type: single nucleotide variant.
Coding change: c.3426A>G on transcript NM_001735.3 (MANE Select); coding-DNA position 3426, A replaced by G.
Protein change: p.Leu1142=; no amino-acid change (leucine 1142 retained).
Molecular consequence: synonymous variant.
Genome position (GRCh38, 1-based): chr9:120,981,904, T>C on the plus strand (A>G on the coding strand, the complement: C5 is on the minus strand). VCF-style: chr9-120981904-T-C. GRCh37 (hg19) VCF-style: chr9-123744182-T-C.
Other names: c.3444A>G, p.Leu1148= (NM_001317163.2).
Identifiers: ClinVar variation 2045089 (VCV002045089.7), dbSNP rs887294548, ClinGen allele CA199350609.
Genomic context (GRCh38, chr9:120,981,904, plus strand): 5'-CACCAGGGGGCATATATCGAAAGCCTTTCTAATTCCAATCACAGTAAAGGCTGTAAGATA[T>C]AAGCTGTTCTCTCGGGCTTCAACAGGCAAGGTACCCTAAAAAGAAGCAATGTTTTAAAAG-3'
Protein context (NP_001726.2, residues 1132-1152): TLPVEARENS[Leu1142=]YLTAFTVIGI

ClinVar aggregate classification (germline): Likely benign. Review status: criteria provided, multiple submitters, no conflicts (2 of 4 stars). 3 submissions from 3 submitters: Likely benign (2). 1 of the submissions does not count toward it. Last evaluated 2023-08-04.

Conditions:
C5-related disorder. Also called: C5-related condition.

Allele frequency attached by ClinVar (database versions not stated): gnomAD exomes 0.00001.
gnomAD v4.1: 22 of 1,613,982 alleles (0.0014%); highest among the groups gnomAD compares: African/African-American, 0.004%; no homozygotes.

Submissions (3):

Labcorp Genetics (formerly Invitae), Labcorp
Classification: Likely benign. Last evaluated: 2023-08-04. Review status: criteria provided, single submitter. Criteria: Invitae Variant Classification Sherloc (09022015). Collection method: clinical testing. Allele origin: germline.

Blueprint Genetics
Classification: Likely benign. Last evaluated: 2022-06-14. Review status: criteria provided, single submitter. Criteria: ACMG Guidelines, 2015. Collection method: clinical testing. Allele origin: germline.

PreventionGenetics, part of Exact Sciences
Classification: Likely benign for C5-related condition. Last evaluated: 2023-12-19. Review status: no assertion criteria provided. Collection method: clinical testing. Allele origin: germline. Not counted in ClinVar's aggregate classification.
Comment: This variant is classified as likely benign based on ACMG/AMP sequence variant interpretation guidelines (Richards et al. 2015 PMID: 25741868, with internal and published modifications).